The following is an entry in ClinVar:

ClinVar aggregate classification (germline): Uncertain significance. Review status: criteria provided, multiple submitters, no conflicts (2 of 4 stars). 3 submissions from 3 submitters: Uncertain significance (2). 1 of the submissions does not count toward it. Last evaluated 2025-08-20.

Conditions:
Hereditary cancer-predisposing syndrome. Also called: Hereditary neoplastic syndrome; Tumor predisposition; Neoplastic Syndromes, Hereditary; Hereditary Cancer Syndrome. Identifiers: Orphanet 140162, MedGen C0027672, MeSH D009386, MONDO:0015356.
Bloom syndrome (BLM). Also called: Bloom-Torre-Machacek syndrome. Identifiers: Orphanet 125, MedGen C0005859, MONDO:0008876, OMIM 210900.

Allele frequency attached by ClinVar (database versions not stated): gnomAD 0.00001; gnomAD exomes 0.00001 and 0.00002; TOPMed 0.00001.
gnomAD v4.1: 5 of 1,613,828 alleles (0.00031%); highest among the groups gnomAD compares: Admixed American, 0.0083%; no homozygotes.

Submissions (3):

Ambry Genetics
Classification: Uncertain significance for Hereditary cancer-predisposing syndrome. Last evaluated: 2025-08-20. Review status: criteria provided, single submitter. Criteria: Ambry Variant Classification Scheme 2023. Collection method: clinical testing. Allele origin: germline.
Comment: The p.K331T variant (also known as c.992A>C), located in coding exon 4 of the BLM gene, results from an A to C substitution at nucleotide position 992. The lysine at codon 331 is replaced by threonine, an amino acid with similar properties. This amino acid position is poorly conserved in available vertebrate species. In addition, this alteration is predicted to be tolerated by in silico analysis. Since supporting evidence is limited at this time, the clinical significance of this alteration remains unclear.

Labcorp Genetics (formerly Invitae), Labcorp
Classification: Uncertain significance for Bloom syndrome. Last evaluated: 2024-05-08. Review status: criteria provided, single submitter. Criteria: Invitae Variant Classification Sherloc (09022015). Collection method: clinical testing. Allele origin: germline.
Comment: This sequence change replaces lysine, which is basic and polar, with threonine, which is neutral and polar, at codon 331 of the BLM protein (p.Lys331Thr). This variant is present in population databases (no rsID available, gnomAD 0.01%). This variant has not been reported in the literature in individuals affected with BLM-related conditions. ClinVar contains an entry for this variant (Variation ID: 569932). An algorithm developed to predict the effect of missense changes on protein structure and function (PolyPhen-2) suggests that this variant¬†is likely to be tolerated. In summary, the available evidence is currently insufficient to determine the role of this variant in disease. Therefore, it has been classified as a Variant of Uncertain Significance.

Natera, Inc.
Classification: Uncertain significance for Bloom syndrome. Last evaluated: 2018-09-26. Review status: no assertion criteria provided. Collection method: clinical testing. Allele origin: germline. Not counted in ClinVar's aggregate classification.

NM_000057.4(BLM):c.992A>C (p.Lys331Thr)

Gene: BLM (BLM RecQ like helicase; plus strand). Cytogenetic location: 15q26.1.
Variant type: single nucleotide variant.
Coding change: c.992A>C on transcript NM_000057.4 (MANE Select); coding-DNA position 992, A replaced by C.
Protein change: p.Lys331Thr; replaces lysine 331 with threonine.
Molecular consequence: missense variant. On other transcripts: 5 prime UTR variant (1).
Genome position (GRCh38, 1-based): chr15:90,754,843, A>C. VCF-style: chr15-90754843-A-C. GRCh37 (hg19) VCF-style: chr15-91298073-A-C.
Other names: c.992A>C, p.Lys331Thr (NM_001287246.2, NM_001287247.2); c.-300A>C (NM_001287248.2); short protein forms K331T.
Identifiers: ClinVar variation 569932 (VCV000569932.14), dbSNP rs1351404875, ClinGen allele CA393842047.